The following is an entry in ClinVar:

NM_001372.4(DNAH9):c.2928+1G>A

Genes: DNAH9 (dynein axonemal heavy chain 9; plus strand), LOC126862505 (BRD4-independent group 4 enhancer GRCh37_chr17:11572478-11573677; plus strand). Cytogenetic location: 17p12.
Variant type: single nucleotide variant.
Coding change: c.2928+1G>A on transcript NM_001372.4 (MANE Select); the canonical splice donor site of the intron after coding-DNA position 2928, G replaced by A.
Molecular consequence: splice donor variant.
Genome position (GRCh38, 1-based): chr17:11,669,261, G>A. VCF-style: chr17-11669261-G-A. GRCh37 (hg19) VCF-style: chr17-11572578-G-A.
Identifiers: ClinVar variation 2629058 (VCV002629058.4), dbSNP rs776395665, ClinGen allele CA8395301.
Genomic context (GRCh38, chr17:11,669,261, plus strand): 5'-TTTAGGATACCATCTCTGGTGCCACGGCTTTCCCCACAAAATGGCTCTCCTCACTATCAG[G>A]TACTGGAGCTGCAGCCATCCTGCCCTCCAACTGTGTCCCGTCCAGCCGAATCTCGAACTT-3'

ClinVar aggregate classification (germline): Likely pathogenic. Review status: criteria provided, multiple submitters, no conflicts (2 of 4 stars). 2 submissions from 2 submitters: Likely pathogenic (2). Last evaluated 2023-06-16.

Conditions:
DNAH9-related disorder. Also called: DNAH9-related condition.

Allele frequency attached by ClinVar (database versions not stated): TOPMed below 0.00001; ExAC 0.00001; gnomAD exomes 0.00001.
gnomAD v4.1: 12 of 1,611,574 alleles (0.00074%); highest among the groups gnomAD compares: Admixed American, 0.0033%; no homozygotes.

Submissions (2):

Labcorp Genetics (formerly Invitae), Labcorp
Classification: Likely pathogenic. Last evaluated: 2023-06-16. Review status: criteria provided, single submitter. Criteria: Invitae Variant Classification Sherloc (09022015). Collection method: clinical testing. Allele origin: germline.
Comment: This variant has not been reported in the literature in individuals affected with DNAH9-related conditions. This variant is present in population databases (rs776395665, gnomAD 0.006%). Algorithms developed to predict the effect of sequence changes on RNA splicing suggest that this variant may disrupt the consensus splice site. This sequence change affects a donor splice site in intron 16 of the DNAH9 gene. It is expected to disrupt RNA splicing. Variants that disrupt the donor or acceptor splice site typically lead to a loss of protein function (PMID: 16199547), and loss-of-function variants in DNAH9 are known to be pathogenic (PMID: 30471718). In summary, the currently available evidence indicates that the variant is pathogenic, but additional data are needed to prove that conclusively. Therefore, this variant has been classified as Likely Pathogenic.

PreventionGenetics, part of Exact Sciences
Classification: Likely pathogenic for DNAH9-related condition. Last evaluated: 2022-11-01. Review status: criteria provided, single submitter. Criteria: ACMG Guidelines, 2015. Collection method: clinical testing. Allele origin: germline.
Comment: The DNAH9 c.2928+1G>A variant is predicted to disrupt the GT donor site and interfere with normal splicing. To our knowledge, this variant has not been reported in the literature. This variant is reported in 0.0058% of alleles in individuals of Latino descent in gnomAD. Variants that disrupt the consensus splice donor site in DNAH9 are expected to be pathogenic. This variant is interpreted as likely pathogenic.

Literature cited by the submitters: PubMed 16199547 (cited by Labcorp Genetics (formerly Invitae), Labcorp); PubMed 30471718 (cited by Labcorp Genetics (formerly Invitae), Labcorp).